The following is an entry in ClinVar:

ClinVar aggregate classification (germline): Uncertain significance. Review status: criteria provided, multiple submitters, no conflicts (2 of 4 stars). 2 submissions from 2 submitters: Uncertain significance (2). Last evaluated 2024-07-15.

Conditions:
Majeed syndrome (MJDS). Also called: CHRONIC RECURRENT MULTIFOCAL OSTEOMYELITIS 1, WITH CONGENITAL DYSERYTHROPOIETIC ANEMIA, WITH OR WITHOUT NEUTROPHILIC DERMATOSIS; LPIN2-Related Majeed Syndrome. Identifiers: Orphanet 77297, MedGen C1864997, MONDO:0012316, OMIM 609628.

Allele frequency attached by ClinVar (database versions not stated): gnomAD exomes 0.00001; ExAC 0.00002.

Submissions (2):

ARUP Laboratories, Molecular Genetics and Genomics, ARUP Laboratories
Classification: Uncertain significance for Majeed syndrome. Last evaluated: 2024-07-15. Review status: criteria provided, single submitter. Criteria: ARUP Molecular Germline Variant Investigation Process 2024. Collection method: clinical testing. Allele origin: germline.
Comment: The LPIN2 c.896G>A; p.Arg299Gln variant (rs766189065), to our knowledge, is not reported in the medical literature but is reported in ClinVar (Variation ID: 1367584). This variant is found in the non-Finnish European population with an allele frequency of 0.0027% (3/111,654 alleles) in the Genome Aggregation Database (v2.1.1). Computational analyses (Alamut Visual Plus v.1.5.1) predict that this variant may impact splicing by creating a novel cryptic acceptor splice site. Due to limited information, the clinical significance of this variant is uncertain at this time.

Labcorp Genetics (formerly Invitae), Labcorp
Classification: Uncertain significance for Majeed syndrome. Last evaluated: 2021-08-14. Review status: criteria provided, single submitter. Criteria: Invitae Variant Classification Sherloc (09022015). Collection method: clinical testing. Allele origin: germline.
Comment: This sequence change replaces arginine with glutamine at codon 299 of the LPIN2 protein (p.Arg299Gln). The arginine residue is moderately conserved and there is a small physicochemical difference between arginine and glutamine. This variant is present in population databases (rs766189065, ExAC 0.003%). This variant has not been reported in the literature in individuals affected with LPIN2-related conditions. Algorithms developed to predict the effect of missense changes on protein structure and function are either unavailable or do not agree on the potential impact of this missense change (SIFT: "Tolerated"; PolyPhen-2: "Probably Damaging"; Align-GVGD: "Class C0"). Algorithms developed to predict the effect of sequence changes on RNA splicing suggest that this variant may create or strengthen a splice site. In summary, the available evidence is currently insufficient to determine the role of this variant in disease. Therefore, it has been classified as a Variant of Uncertain Significance.

NM_001375808.2(LPIN2):c.896G>A (p.Arg299Gln)

Gene: LPIN2 (lipin 2; minus strand). Cytogenetic location: 18p11.31.
Variant type: single nucleotide variant.
Coding change: c.896G>A on transcript NM_001375808.2 (MANE Select); coding-DNA position 896, G replaced by A.
Protein change: p.Arg299Gln; replaces arginine 299 with glutamine.
Molecular consequence: missense variant.
Genome position (GRCh38, 1-based): chr18:2,937,964, C>T on the plus strand (G>A on the coding strand, the complement: LPIN2 is on the minus strand). VCF-style: chr18-2937964-C-T. GRCh37 (hg19) VCF-style: chr18-2937962-C-T.
Other names: c.896G>A, p.Arg299Gln (NM_001375809.1, NM_014646.2); short protein forms R299Q.
Identifiers: ClinVar variation 1367584 (VCV001367584.6), dbSNP rs766189065, ClinGen allele CA8873254.